The following is an entry in ClinVar:

NM_182961.4(SYNE1):c.7076C>A (p.Thr2359Asn)

Gene: SYNE1 (spectrin repeat containing nuclear envelope protein 1; minus strand). Cytogenetic location: 6q25.2.
Variant type: single nucleotide variant.
Coding change: c.7076C>A on transcript NM_182961.4 (MANE Select); coding-DNA position 7076, C replaced by A.
Protein change: p.Thr2359Asn; replaces threonine 2359 with asparagine.
Molecular consequence: missense variant.
Genome position (GRCh38, 1-based): chr6:152,399,777, G>T on the plus strand (C>A on the coding strand, the complement: SYNE1 is on the minus strand). VCF-style: chr6-152399777-G-T. GRCh37 (hg19) VCF-style: chr6-152720912-G-T.
Other names: p.Thr2366Asn; c.7097C>A, p.Thr2366Asn (NM_033071.5); short protein forms T2359N, T2366N.
Identifiers: ClinVar variation 281783 (VCV000281783.54), dbSNP rs142747430, ClinGen allele CA4057918.

ClinVar aggregate classification (germline): Conflicting classifications of pathogenicity. Review status: criteria provided, conflicting classifications (1 of 4 stars). 10 submissions from 10 submitters: Uncertain significance (9); Likely benign (1). Last evaluated 2026-01-16.

Conditions:
Autosomal recessive ataxia, Beauce type. Also called: ATAXIA, RECESSIVE, OF BEAUCE; Spinocerebellar ataxia, autosomal recessive 8; SYNE1-Related Autosomal Recessive Cerebellar Ataxia; SYNE1 Deficiency. Identifiers: Orphanet 88644, MedGen C1853116, MONDO:0012549, OMIM 610743.
Emery-Dreifuss muscular dystrophy 4, autosomal dominant (EDMD4). Also called: EMERY-DREIFUSS MUSCULAR DYSTROPHY 4 WITH VARIABLE FEATURES. Identifiers: Orphanet 261, MedGen C2751807, MONDO:0013071, OMIM 612998.
Inborn genetic diseases. Identifiers: MedGen C0950123, MeSH D030342.
Limb-girdle muscular dystrophy (LGMD). Also called: Muscular Dystrophies, Limb-Girdle. Identifiers: Orphanet 263, MedGen C0686353, MeSH D049288, MONDO:0016971, HP:0006785.

Allele frequency attached by ClinVar (database versions not stated): gnomAD 0.00014 and 0.00016; ExAC 0.00015; ESP Exome Variant Server 0.00015; TOPMed 0.00017.
gnomAD v4.1: 218 of 1,614,138 alleles (0.014%); highest among the groups gnomAD compares: Middle Eastern, 0.87%; 1 homozygote.

Submissions (10):

GeneDx
Classification: Uncertain significance. Last evaluated: 2026-01-16. Review status: criteria provided, single submitter. Criteria: GeneDx Variant Classification Process June 2021. Collection method: clinical testing. Allele origin: germline. Affected: yes.
Comment: In silico analysis supports that this missense variant has a deleterious effect on protein structure/function; This variant is associated with the following publications: (PMID: 29970176)

Labcorp Genetics (formerly Invitae), Labcorp
Classification: Uncertain significance for Emery-Dreifuss muscular dystrophy 4, autosomal dominant; Autosomal recessive ataxia, Beauce type. Last evaluated: 2025-12-11. Review status: criteria provided, single submitter. Criteria: Invitae Variant Classification Sherloc (09022015). Collection method: clinical testing. Allele origin: germline.
Comment: This sequence change replaces threonine, which is neutral and polar, with asparagine, which is neutral and polar, at codon 2366 of the SYNE1 protein (p.Thr2366Asn). This variant is present in population databases (rs142747430, gnomAD 0.03%). This variant has not been reported in the literature in individuals affected with SYNE1-related conditions. ClinVar contains an entry for this variant (Variation ID: 281783). An algorithm developed to predict the effect of missense changes on protein structure and function (PolyPhen-2) suggests that this variant is likely to be disruptive. In summary, the available evidence is currently insufficient to determine the role of this variant in disease. Therefore, it has been classified as a Variant of Uncertain Significance.

Blueprint Genetics
Classification: Uncertain significance. Last evaluated: 2024-10-29. Review status: criteria provided, single submitter. Criteria: ACMG Guidelines, 2015. Collection method: clinical testing. Allele origin: germline.

Athena Diagnostics
Classification: Uncertain significance. Last evaluated: 2024-03-26. Review status: criteria provided, single submitter. Criteria: Athena Diagnostics Criteria. Collection method: clinical testing. Allele origin: unknown.
Comment: Available data are insufficient to determine the clinical significance of the variant at this time. The frequency of this variant in the general population is uninformative in assessment of its pathogenicity. Computational tools disagree on the variant's effect on normal protein function.

CeGaT Center for Human Genetics Tuebingen
Classification: Uncertain significance. Last evaluated: 2023-09-01. Review status: criteria provided, single submitter. Criteria: CeGaT Center For Human Genetics Tuebingen Variant Classification Criteria Version 2. Collection method: clinical testing. Allele origin: germline. Affected: yes. Observed: 2 variant alleles.

Revvity Omics, Revvity
Classification: Uncertain significance. Last evaluated: 2022-01-11. Review status: criteria provided, single submitter. Criteria: ACMG Guidelines, 2015. Collection method: clinical testing. Allele origin: germline.

Mayo Clinic Laboratories, Mayo Clinic
Classification: Uncertain significance. Last evaluated: 2021-11-12. Review status: criteria provided, single submitter. Criteria: ACMG Guidelines, 2015. Collection method: clinical testing. Allele origin: germline.

Ambry Genetics
Classification: Uncertain significance for Inborn genetic diseases. Last evaluated: 2021-10-22. Review status: criteria provided, single submitter. Criteria: Ambry Variant Classification Scheme 2023. Collection method: clinical testing. Allele origin: germline.

Cambridge Genomics Laboratory, East Genomic Laboratory Hub, NHS Genomic Medicine Service
Classification: Likely benign for Limb-girdle muscular dystrophy. Last evaluated: 2020-05-29. Review status: criteria provided, single submitter. Criteria: ACGS Best Practice Guidelines for Variant Classification in Rare Disease 2020. Collection method: clinical testing. Allele origin: germline. Affected: yes. Observed: 1 variant allele.

Eurofins Ntd Llc (ga)
Classification: Uncertain significance. Last evaluated: 2016-12-13. Review status: criteria provided, single submitter. Criteria: EGL Classification Definitions 2015. Collection method: clinical testing. Allele origin: germline. Observed: 3 variant alleles, 3 heterozygotes.

Literature cited by the submitters: PubMed 29970176 (cited by Athena Diagnostics).